The following is an entry in ClinVar:

NC_000015.9:g.(?_67358483)_(67482884_?)dup

Gene: SMAD3 (SMAD family member 3; plus strand). Cytogenetic location: 15q22.33.
Variant type: Duplication.
Identifiers: ClinVar variation 1411428 (VCV001411428.3).

ClinVar aggregate classification (germline): Uncertain significance (1 of 4 stars; one submission).

Conditions:
Familial thoracic aortic aneurysm and aortic dissection (TAAD). Also called: Thoracic aortic aneurysms and dissections. Identifiers: Orphanet 91387, MedGen C4707243, MONDO:0019625.

Submission:

Labcorp Genetics (formerly Invitae), Labcorp
Classification: Uncertain significance for Familial thoracic aortic aneurysm and aortic dissection. Last evaluated: 2021-08-27. Review status: criteria provided, single submitter. Criteria: Invitae Variant Classification Sherloc (09022015). Collection method: clinical testing. Allele origin: germline.
Comment: A copy number gain of the genomic region encompassing the full coding sequence of the SMAD3 gene has been identified. The boundaries of this event are unknown as they extend beyond the assayed region for this gene and therefore may encompass additional genes. As the precise location of this event is unknown, it may be in tandem or it may be located elsewhere in the genome. This variant has not been reported in the literature in individuals affected with SMAD3-related conditions. Experimental studies and prediction algorithms are not available or were not evaluated, and the functional significance of this variant is currently unknown. In summary, the available evidence is currently insufficient to determine the role of this variant in disease. Therefore, it has been classified as a Variant of Uncertain Significance.